The following is an entry in ClinVar:

ClinVar aggregate classification (germline): Uncertain significance. Review status: criteria provided, multiple submitters, no conflicts (2 of 4 stars). 2 submissions from 2 submitters: Uncertain significance (2). Last evaluated 2023-12-31.

Conditions:
Hereditary cancer-predisposing syndrome. Also called: Tumor predisposition; Neoplastic Syndromes, Hereditary; Hereditary Cancer Syndrome; Hereditary neoplastic syndrome. Identifiers: Orphanet 140162, MedGen C0027672, MeSH D009386, MONDO:0015356.
Hereditary diffuse gastric adenocarcinoma (HDGC). Also called: DIFFUSE GASTRIC AND LOBULAR BREAST CANCER SYNDROME. Identifiers: Orphanet 26106, MedGen C1708349, MONDO:0007648, OMIM 137215.

Allele frequency attached by ClinVar (database versions not stated): gnomAD exomes below 0.00001.
gnomAD v4.1: 1 of 1,614,148 alleles (0.000062%); highest among the groups gnomAD compares: South Asian, 0.0011%; no homozygotes.

Submissions (2):

Labcorp Genetics (formerly Invitae), Labcorp
Classification: Uncertain significance for Hereditary diffuse gastric adenocarcinoma. Last evaluated: 2023-12-31. Review status: criteria provided, single submitter. Criteria: Invitae Variant Classification Sherloc (09022015). Collection method: clinical testing. Allele origin: germline.
Comment: This sequence change replaces proline, which is neutral and non-polar, with threonine, which is neutral and polar, at codon 372 of the CDH1 protein (p.Pro372Thr). This variant is not present in population databases (gnomAD no frequency). This variant has not been reported in the literature in individuals affected with CDH1-related conditions. ClinVar contains an entry for this variant (Variation ID: 479522). An algorithm developed to predict the effect of missense changes on protein structure and function (PolyPhen-2) suggests that this variant is likely to be disruptive. In summary, the available evidence is currently insufficient to determine the role of this variant in disease. Therefore, it has been classified as a Variant of Uncertain Significance.

Ambry Genetics
Classification: Uncertain significance for Hereditary cancer-predisposing syndrome. Last evaluated: 2017-03-16. Review status: criteria provided, single submitter. Criteria: Ambry Variant Classification Scheme 2023. Collection method: clinical testing. Allele origin: germline.
Comment: The p.P372T variant (also known as c.1114C>A), located in coding exon 8 of the CDH1 gene, results from a C to A substitution at nucleotide position 1114. The proline at codon 372 is replaced by threonine, an amino acid with highly similar properties. This amino acid position is somewhat well conserved in available vertebrate species. In addition, this alteration is predicted to be tolerated by in silico analysis. Since supporting evidence is limited at this time, the clinical significance of this alteration remains unclear.

NM_004360.5(CDH1):c.1114C>A (p.Pro372Thr)

Gene: CDH1 (cadherin 1; plus strand). Cytogenetic location: 16q22.1.
Variant type: single nucleotide variant.
Coding change: c.1114C>A on transcript NM_004360.5 (MANE Select); coding-DNA position 1114, C replaced by A.
Protein change: p.Pro372Thr; replaces proline 372 with threonine.
Molecular consequence: missense variant. On other transcripts: 5 prime UTR variant (2).
Genome position (GRCh38, 1-based): chr16:68,812,240, C>A. VCF-style: chr16-68812240-C-A. GRCh37 (hg19) VCF-style: chr16-68846143-C-A.
Other names: c.1114C>A (LRG_301t1); c.1114C>A, p.Pro372Thr (NM_001317184.2); c.-502C>A (NM_001317185.2); c.-706C>A (NM_001317186.2); short protein forms P372T.
Identifiers: ClinVar variation 479522 (VCV000479522.11), dbSNP rs1555515758, ClinGen allele CA396460208.